The following is an entry in ClinVar:

ClinVar aggregate classification (germline): Uncertain significance (1 of 4 stars; one submission).

Submission:

GeneDx
Classification: Uncertain significance. Last evaluated: 2020-01-28. Review status: criteria provided, single submitter. Criteria: GeneDx Variant Classification Process June 2021. Collection method: clinical testing. Allele origin: germline. Affected: yes.
Comment: Not observed in large population cohorts (Lek et al., 2016); In-silico analysis, which includes splice predictors and evolutionary conservation, is inconclusive as to whether the variant alters gene splicing. In the absence of RNA/functional studies, the actual effect of this sequence change is unknown.; Has not been previously published as pathogenic or benign to our knowledge

NM_001348323.3(TRIP12):c.2651-4_2651-2dup

Gene: TRIP12 (thyroid hormone receptor interactor 12; minus strand). Cytogenetic location: 2q36.3.
Variant type: Duplication.
Coding change: c.2651-4_2651-2dup on transcript NM_001348323.3 (MANE Select); 4 bases into the intron before coding-DNA position 2651 through the canonical splice acceptor site of the intron before coding-DNA position 2651, 3 bases duplicated (ATA; older notation c.2651-4_2651-2dupATA).
Molecular consequence: splice acceptor variant.
Genome position (GRCh38, 1-based): chr2:229,804,229-229,804,231, TAT duplicated on the plus strand (ATA on the coding strand, the reverse complement: TRIP12 is on the minus strand); duplicating any 3 consecutive bases within chr2:229,804,229-229,804,233 gives the same sequence; the c. name uses the placement nearest the transcript's 3' end. VCF-style (leftmost placement, unchanged base first): chr2-229804228-C-CTAT. GRCh37 (hg19) VCF-style: chr2-230668944-C-CTAT.
Other names: c.1616-4_1616-2dup (NM_001284216.2); c.2426-4_2426-2dup (NM_004238.3); c.2444-4_2444-2dup (NM_001348331.1); c.2525-4_2525-2dup (NM_001348317.1, NM_001284215.2, NM_001348316.2 and 1 more transcripts); c.2564-4_2564-2dup (NM_001348332.1); c.2570-4_2570-2dup (NM_001284214.2, NM_001348315.2); c.2651-4_2651-2dup (NM_001348319.1, NM_001348322.1, NM_001348324.2 and 4 more transcripts); c.2573-4_2573-2dup (NM_001348333.1); and 1 more.
Identifiers: ClinVar variation 1315244 (VCV001315244.2), dbSNP rs2154270770, ClinGen allele CA2546132438.
Genomic context (GRCh38, chr2:229,804,228, plus strand): 5'-CCGGATCCTCTTTCATAAGCTGTGCTCGAGCATCATCCTTCTTTGACTCTGAATATCCAC[C>CTAT]TATTACATTAAAAAAAAATATATGTGCAATCCTGAAGTGACAGACTTCAGAAACACAATA-3'